The following is an entry in ClinVar:

ClinVar aggregate classification (germline): Conflicting classifications of pathogenicity. Review status: criteria provided, conflicting classifications (1 of 4 stars). 4 submissions from 4 submitters: Uncertain significance (3); Likely benign (1). Last evaluated 2026-09-01.

Conditions:
Inborn genetic diseases. Identifiers: MedGen C0950123, MeSH D030342.
Short-rib thoracic dysplasia 6 with or without polydactyly (SRTD6). Also called: POLYDACTYLY WITH NEONATAL CHONDRODYSTROPHY, TYPE II; Majewski Syndrome; SHORT RIB-POLYDACTYLY SYNDROME, TYPE IIA; SHORT-RIB THORACIC DYSPLASIA 6 WITH POLYDACTYLY; SHORT-RIB THORACIC DYSPLASIA 6 WITHOUT POLYDACTYLY. Identifiers: MedGen C0024507, MONDO:0009894, OMIM 263520.

Allele frequency attached by ClinVar (database versions not stated): gnomAD exomes 0.00007; ESP Exome Variant Server 0.00008; TOPMed 0.00008.
gnomAD v4.1: 108 of 1,613,760 alleles (0.0067%); highest among the groups gnomAD compares: East Asian, 0.018%; no homozygotes.

Submissions (4):

CeGaT Center for Human Genetics Tuebingen
Classification: Uncertain significance. Last evaluated: 2026-09-01. Review status: criteria provided, single submitter. Criteria: CeGaT Center For Human Genetics Tuebingen Variant Classification Criteria Version 2. Collection method: clinical testing. Allele origin: germline. Affected: yes. Observed: 2 variant alleles.
Comment: NEK1: PM2, BP4

Labcorp Genetics (formerly Invitae), Labcorp
Classification: Uncertain significance for Short-rib thoracic dysplasia 6 with or without polydactyly. Last evaluated: 2023-07-19. Review status: criteria provided, single submitter. Criteria: Invitae Variant Classification Sherloc (09022015). Collection method: clinical testing. Allele origin: germline.
Comment: In summary, the available evidence is currently insufficient to determine the role of this variant in disease. Therefore, it has been classified as a Variant of Uncertain Significance. Advanced modeling of protein sequence and biophysical properties (such as structural, functional, and spatial information, amino acid conservation, physicochemical variation, residue mobility, and thermodynamic stability) performed at Invitae indicates that this missense variant is not expected to disrupt NEK1 protein function. ClinVar contains an entry for this variant (Variation ID: 899606). This missense change has been observed in individual(s) with amyotrophic lateral sclerosis (PMID: 36443167). This variant is present in population databases (rs201793759, gnomAD 0.04%). This sequence change replaces arginine, which is basic and polar, with histidine, which is basic and polar, at codon 484 of the NEK1 protein (p.Arg484His).

Ambry Genetics
Classification: Likely benign for Inborn genetic diseases. Last evaluated: 2022-06-27. Review status: criteria provided, single submitter. Criteria: Ambry Variant Classification Scheme 2023. Collection method: clinical testing. Allele origin: germline.

Illumina Laboratory Services, Illumina
Classification: Uncertain significance for Short-rib thoracic dysplasia 6 with or without polydactyly. Last evaluated: 2018-01-13. Review status: criteria provided, single submitter. Criteria: ICSL Variant Classification Criteria 13 December 2019. Collection method: clinical testing. Allele origin: germline.

Literature cited by the submitters: PubMed 36443167 (cited by Labcorp Genetics (formerly Invitae), Labcorp).

NM_001199397.3(NEK1):c.1451G>A (p.Arg484His)

Gene: NEK1 (NIMA related kinase 1; minus strand). Cytogenetic location: 4q33.
Variant type: single nucleotide variant.
Coding change: c.1451G>A on transcript NM_001199397.3 (MANE Select); coding-DNA position 1451, G replaced by A.
Protein change: p.Arg484His; replaces arginine 484 with histidine.
Molecular consequence: missense variant. On other transcripts: non-coding transcript variant (1), intron variant (3).
Genome position (GRCh38, 1-based): chr4:169,555,831, C>T on the plus strand (G>A on the coding strand, the complement: NEK1 is on the minus strand). VCF-style: chr4-169555831-C-T. GRCh37 (hg19) VCF-style: chr4-170476982-C-T.
Other names: c.1451G>A, p.Arg484His (NM_001374418.1, NM_001374419.1, NM_012224.4); c.1400G>A, p.Arg467His (NM_001374420.1); c.1325G>A, p.Arg442His (NM_001374421.1); c.1355+101G>A (NM_001199399.3); c.1430+101G>A (NM_001199398.3, NM_001199400.3); short protein forms R467H, R442H, R484H.
Identifiers: ClinVar variation 899606 (VCV000899606.11), dbSNP rs201793759, ClinGen allele CA3137726.